The following is an entry in ClinVar:

ClinVar aggregate classification (germline): Uncertain significance (1 of 4 stars; one submission).

gnomAD v4.1: 15 of 1,611,480 alleles (0.00093%); highest among the groups gnomAD compares: African/African-American, 0.0067%; no homozygotes.

Submission:

Ambry Genetics
Classification: Uncertain significance. Last evaluated: 2025-05-05. Review status: criteria provided, single submitter. Criteria: Ambry Variant Classification Scheme 2023. Collection method: clinical testing. Allele origin: germline.
Comment: The p.Q187R variant (also known as c.560A>G), located in coding exon 6 of the NEBL gene, results from an A to G substitution at nucleotide position 560. The glutamine at codon 187 is replaced by arginine, an amino acid with highly similar properties. This amino acid position is conserved. In addition, this alteration is predicted to be tolerated by in silico analysis. Based on the available evidence, the clinical significance of this variant remains unclear.

NM_006393.3(NEBL):c.560A>G (p.Gln187Arg)

Gene: NEBL (nebulette; minus strand). Cytogenetic location: 10p12.31.
Variant type: single nucleotide variant.
Coding change: c.560A>G on transcript NM_006393.3 (MANE Select); coding-DNA position 560, A replaced by G.
Protein change: p.Gln187Arg; replaces glutamine 187 with arginine.
Molecular consequence: missense variant. On other transcripts: intron variant (9).
Genome position (GRCh38, 1-based): chr10:20,869,762, T>C on the plus strand (A>G on the coding strand, the complement: NEBL is on the minus strand). VCF-style: chr10-20869762-T-C. GRCh37 (hg19) VCF-style: chr10-21158691-T-C.
Other names: c.250-56822A>G (NM_001377326.1, NM_001377327.1, NM_001377328.1); c.358-56822A>G (NM_213569.2, NM_001173484.2, NM_001377322.1); c.301-56822A>G (NM_001377324.1); c.292-56822A>G (NM_001377325.1); c.310-56822A>G (NM_001377323.1); short protein forms Q187R.
Identifiers: ClinVar variation 3918551 (VCV003918551.1).
Genomic context (GRCh38, chr10:20,869,762, plus strand): 5'-GAAATCATTTCCGTTCAAGGTTTAGAAAGAGAAGTTACATTGCTTATGATCTTAGAGATC[T>C]GGGTTGCCATCTTGATGTCTGGTCGGTCAAGTTCTGCACTGTACGTGTGGGTGTCCTGCA-3'
Protein context (NP_006384.1, residues 177-197): LDRPDIKMAT[Gln187Arg]ISKIISNAEY